The following is an entry in ClinVar:

NM_172364.5(CACNA2D4):c.1642A>G (p.Lys548Glu)

Gene: CACNA2D4 (calcium voltage-gated channel auxiliary subunit alpha2delta 4; minus strand). Cytogenetic location: 12p13.33.
Variant type: single nucleotide variant.
Coding change: c.1642A>G on transcript NM_172364.5 (MANE Select); coding-DNA position 1642, A replaced by G.
Protein change: p.Lys548Glu; replaces lysine 548 with glutamic acid.
Molecular consequence: missense variant.
Genome position (GRCh38, 1-based): chr12:1,878,958, T>C on the plus strand (A>G on the coding strand, the complement: CACNA2D4 is on the minus strand). VCF-style: chr12-1878958-T-C. GRCh37 (hg19) VCF-style: chr12-1988124-T-C.
Other names: short protein forms K548E.
Identifiers: ClinVar variation 3678810 (VCV003678810.2).

ClinVar aggregate classification (germline): Uncertain significance (1 of 4 stars; one submission).

gnomAD v4.1: 12 of 1,613,444 alleles (0.00074%); highest among the groups gnomAD compares: Non-Finnish European, 0.00093%; no homozygotes.

Submission:

Labcorp Genetics (formerly Invitae), Labcorp
Classification: Uncertain significance. Last evaluated: 2024-06-30. Review status: criteria provided, single submitter. Criteria: Invitae Variant Classification Sherloc (09022015). Collection method: clinical testing. Allele origin: germline.
Comment: This sequence change replaces lysine, which is basic and polar, with glutamic acid, which is acidic and polar, at codon 548 of the CACNA2D4 protein (p.Lys548Glu). This variant is present in population databases (no rsID available, gnomAD 0.0009%). This variant has not been reported in the literature in individuals affected with CACNA2D4-related conditions. An algorithm developed to predict the effect of missense changes on protein structure and function (PolyPhen-2) suggests that this variant is likely to be tolerated. In summary, the available evidence is currently insufficient to determine the role of this variant in disease. Therefore, it has been classified as a Variant of Uncertain Significance.